The following is an entry in ClinVar:

ClinVar aggregate classification (germline): Uncertain significance (1 of 4 stars; one submission).

Conditions:
Developmental and epileptic encephalopathy, 12 (DEE12). Identifiers: MedGen C3150988, MONDO:0013389, OMIM 613722.

Submission:

Labcorp Genetics (formerly Invitae), Labcorp
Classification: Uncertain significance for Developmental and epileptic encephalopathy, 12. Last evaluated: 2022-06-28. Review status: criteria provided, single submitter. Criteria: Invitae Variant Classification Sherloc (09022015). Collection method: clinical testing. Allele origin: germline.
Comment: In summary, the available evidence is currently insufficient to determine the role of this variant in disease. Therefore, it has been classified as a Variant of Uncertain Significance. Algorithms developed to predict the effect of missense changes on protein structure and function (SIFT, PolyPhen-2, Align-GVGD) all suggest that this variant is likely to be tolerated. This variant has not been reported in the literature in individuals affected with PNKP-related conditions. This variant is not present in population databases (gnomAD no frequency). This sequence change replaces glutamine, which is neutral and polar, with arginine, which is basic and polar, at codon 456 of the PNKP protein (p.Gln456Arg).

NM_007254.4(PNKP):c.1367A>G (p.Gln456Arg)

Gene: PNKP (polynucleotide kinase 3'-phosphatase; minus strand). Cytogenetic location: 19q13.33.
Variant type: single nucleotide variant.
Coding change: c.1367A>G on transcript NM_007254.4 (MANE Select); coding-DNA position 1367, A replaced by G.
Protein change: p.Gln456Arg; replaces glutamine 456 with arginine.
Molecular consequence: missense variant.
Genome position (GRCh38, 1-based): chr19:49,861,627, T>C on the plus strand (A>G on the coding strand, the complement: PNKP is on the minus strand). VCF-style: chr19-49861627-T-C. GRCh37 (hg19) VCF-style: chr19-50364884-T-C.
Other names: short protein forms Q456R.
Identifiers: ClinVar variation 2117147 (VCV002117147.4), dbSNP rs1432002476, ClinGen allele CA406933040.